The following is an entry in ClinVar:

NM_002911.4(UPF1):c.316G>C (p.Glu106Gln)

Gene: UPF1 (UPF1 RNA helicase and ATPase; plus strand). Cytogenetic location: 19p13.11.
Variant type: single nucleotide variant.
Coding change: c.316G>C on transcript NM_002911.4 (MANE Select); coding-DNA position 316, G replaced by C.
Protein change: p.Glu106Gln; replaces glutamic acid 106 with glutamine.
Molecular consequence: missense variant.
Genome position (GRCh38, 1-based): chr19:18,846,064, G>C. VCF-style: chr19-18846064-G-C. GRCh37 (hg19) VCF-style: chr19-18956873-G-C.
Other names: c.316G>C, p.Glu106Gln (NM_001297549.2); short protein forms E106Q.
Identifiers: ClinVar variation 1712749 (VCV001712749.3), dbSNP rs758924331, ClinGen allele CA404869142.
Genomic context (GRCh38, chr19:18,846,064, plus strand): 5'-AACGGGGCTGTGGACGACAGTGTAGCCAAGACCAGCCAGTTGTTGGCTGAGTTGAACTTC[G>C]AGGAAGATGAAGAAGACACCTATTACACGAAGGACCTCCCCATACACGCCTGCAGGTGAG-3'
Protein context (NP_002902.2, residues 96-116): TSQLLAELNF[Glu106Gln]EDEEDTYYTK

ClinVar aggregate classification (germline): Uncertain significance (1 of 4 stars; one submission).

Submission:

GeneDx
Classification: Uncertain significance. Last evaluated: 2026-03-17. Review status: criteria provided, single submitter. Criteria: GeneDx Variant Classification Process June 2021. Collection method: clinical testing. Allele origin: germline.
Comment: Not observed at significant frequency in large population cohorts (gnomAD); In silico analysis suggests that this missense variant does not alter protein structure/function; Has not been previously published as pathogenic or benign to our knowledge